The following is an entry in ClinVar:

ClinVar aggregate classification (germline): Uncertain significance (1 of 4 stars; one submission).

Conditions:
Hereditary cancer-predisposing syndrome. Also called: Hereditary neoplastic syndrome; Hereditary Cancer Syndrome; Neoplastic Syndromes, Hereditary; Tumor predisposition. Identifiers: Orphanet 140162, MedGen C0027672, MeSH D009386, MONDO:0015356.

Allele frequency attached by ClinVar (database versions not stated): TOPMed below 0.00001.

Submission:

Ambry Genetics
Classification: Uncertain significance for Hereditary cancer-predisposing syndrome. Last evaluated: 2015-01-13. Review status: criteria provided, single submitter. Criteria: Ambry Variant Classification Scheme 2023. Collection method: clinical testing. Allele origin: germline.
Comment: The c.*5C>G variant is located in the 3' untranslated region (3&rsquo; UTR) of the CDH1 gene. This variant results from a C to G substitution five nucleotides after the last translated codon. This nucleotide position is well conserved in available vertebrate species. Since supporting evidence is limited at this time, the clinical significance of c.*5C>G remains unclear.

NM_004360.5(CDH1):c.*5C>G

Gene: CDH1 (cadherin 1; plus strand). Cytogenetic location: 16q22.1.
Variant type: single nucleotide variant.
Coding change: c.*5C>G on transcript NM_004360.5 (MANE Select); 5 bases downstream of the stop codon, C replaced by G.
Molecular consequence: 3 prime UTR variant.
Genome position (GRCh38, 1-based): chr16:68,833,504, C>G. VCF-style: chr16-68833504-C-G. GRCh37 (hg19) VCF-style: chr16-68867407-C-G.
Other names: c.*5C>G (LRG_301t1, NM_001317184.2, NM_001317185.2 and 1 more transcripts).
Identifiers: ClinVar variation 229998 (VCV000229998.5), dbSNP rs876658326, ClinGen allele CA10580166.
Genomic context (GRCh38, chr16:68,833,504, plus strand): 5'-GGGGCAATCGCTTCAAGAAGCTGGCTGACATGTACGGAGGCGGCGAGGACGACTAGGGGA[C>G]TCGAGAGAGGCGGGCCCCAGACCCATGTGCTGGGAAATGCAGAAATCACGTTGCTGGTGG-3'